The following is an entry in ClinVar:

ClinVar aggregate classification (germline): Pathogenic (1 of 4 stars; one submission).

Conditions:
Developmental and epileptic encephalopathy 94 (DEE94). Also called: CHD2-Related Neurodevelopmental Disorders; Epileptic encephalopathy, childhood-onset. Identifiers: Orphanet 1942, Orphanet 2382, MedGen C3809278, MONDO:0014150, OMIM 615369.

Submission:

Labcorp Genetics (formerly Invitae), Labcorp
Classification: Pathogenic for Developmental and epileptic encephalopathy 94. Last evaluated: 2023-12-28. Review status: criteria provided, single submitter. Criteria: Invitae Variant Classification Sherloc (09022015). Collection method: clinical testing. Allele origin: germline.
Comment: This sequence change creates a premature translational stop signal (p.Phe238Leufs*13) in the CHD2 gene. It is expected to result in an absent or disrupted protein product. Loss-of-function variants in CHD2 are known to be pathogenic (PMID: 23708187, 24207121). This variant is not present in population databases (gnomAD no frequency). This variant has not been reported in the literature in individuals affected with CHD2-related conditions. For these reasons, this variant has been classified as Pathogenic.

Literature cited by the submitters: PubMed 23708187; PubMed 24207121.

NM_001271.4(CHD2):c.709_713dup (p.Phe238fs)

Gene: CHD2 (chromodomain helicase DNA binding protein 2; plus strand). Cytogenetic location: 15q26.1.
Variant type: Duplication.
Coding change: c.709_713dup on transcript NM_001271.4 (MANE Select); coding-DNA positions 709 to 713, 5 bases duplicated (GACTT; older notation c.709_713dupGACTT).
Protein change: p.Phe238fs; shifts the reading frame from phenylalanine 238.
Molecular consequence: frameshift variant.
Genome position (GRCh38, 1-based): chr15:92,941,838-92,941,842, GACTT duplicated; duplicating any 5 consecutive bases within chr15:92,941,837-92,941,842 gives the same sequence; the c. name uses the placement nearest the transcript's 3' end. VCF-style (leftmost placement, unchanged base first): chr15-92941836-A-ATGACT. GRCh37 (hg19) VCF-style: chr15-93485066-A-ATGACT.
Other names: c.709_713dup, p.Phe238fs (NM_001042572.3); short protein forms F238fs.
Identifiers: ClinVar variation 2706180 (VCV002706180.3), dbSNP rs2505443321, ClinGen allele CA2697549404.